The following is an entry in ClinVar:

ClinVar aggregate classification (germline): Uncertain significance (1 of 4 stars; one submission).

Conditions:
Werner syndrome (WRN). Identifiers: Orphanet 902, MedGen C0043119, MONDO:0010196, OMIM 277700.

Submission:

Labcorp Genetics (formerly Invitae), Labcorp
Classification: Uncertain significance for Werner syndrome. Last evaluated: 2025-03-31. Review status: criteria provided, single submitter. Criteria: Invitae Variant Classification Sherloc (09022015). Collection method: clinical testing. Allele origin: germline.
Comment: This sequence change replaces glutamine, which is neutral and polar, with glutamic acid, which is acidic and polar, at codon 921 of the WRN protein (p.Gln921Glu). This variant is not present in population databases (gnomAD no frequency). This variant has not been reported in the literature in individuals affected with WRN-related conditions. ClinVar contains an entry for this variant (Variation ID: 2098054). An algorithm developed to predict the effect of missense changes on protein structure and function (PolyPhen-2) suggests that this variant is likely to be tolerated. In summary, the available evidence is currently insufficient to determine the role of this variant in disease. Therefore, it has been classified as a Variant of Uncertain Significance.

NM_000553.6(WRN):c.2761C>G (p.Gln921Glu)

Gene: WRN (WRN RecQ like helicase; plus strand). Cytogenetic location: 8p12.
Variant type: single nucleotide variant.
Coding change: c.2761C>G on transcript NM_000553.6 (MANE Select); coding-DNA position 2761, C replaced by G.
Protein change: p.Gln921Glu; replaces glutamine 921 with glutamic acid.
Molecular consequence: missense variant.
Genome position (GRCh38, 1-based): chr8:31,124,936, C>G. VCF-style: chr8-31124936-C-G. GRCh37 (hg19) VCF-style: chr8-30982452-C-G.
Other names: short protein forms Q921E.
Identifiers: ClinVar variation 2098054 (VCV002098054.4), dbSNP rs2535995990, ClinGen allele CA370917646.